The following is an entry in ClinVar:

NM_000116.5(TAFAZZIN):c.371-16G>T

Gene: TAFAZZIN (tafazzin, phospholipid-lysophospholipid transacylase; plus strand). Cytogenetic location: Xq28.
Variant type: single nucleotide variant.
Coding change: c.371-16G>T on transcript NM_000116.5 (MANE Select); 16 bases into the intron before coding-DNA position 371, G replaced by T.
Molecular consequence: intron variant.
Genome position (GRCh38, 1-based): chrX:154,414,085, G>T. VCF-style: chrX-154414085-G-T. GRCh37 (hg19) VCF-style: chrX-153642422-G-T.
Other names: c.425-16G>T (NM_001303465.2); c.371-16G>T (NM_181312.4); c.370+518G>T (NM_181311.4, NM_181313.4).
Identifiers: ClinVar variation 509616 (VCV000509616.1), dbSNP rs782565538, ClinGen allele CA10562333.

ClinVar aggregate classification (germline): Likely benign (1 of 4 stars; one submission).

Allele frequency attached by ClinVar (database versions not stated): gnomAD exomes below 0.00001; ExAC 0.00001.
gnomAD v4.1: 1 of 1,133,836 alleles (0.000088%); no homozygotes.

Submission:

GeneDx
Classification: Likely benign. Last evaluated: 2017-05-15. Review status: criteria provided, single submitter. Criteria: GeneDx Variant Classification (06012015). Collection method: clinical testing. Allele origin: germline. Affected: yes.
Comment: This variant is considered likely benign or benign based on one or more of the following criteria: it is a conservative change, it occurs at a poorly conserved position in the protein, it is predicted to be benign by multiple in silico algorithms, and/or has population frequency not consistent with disease.